The following is an entry in ClinVar:

ClinVar aggregate classification (germline): Likely pathogenic. Review status: criteria provided, single submitter (1 of 4 stars). 3 submissions from 3 submitters: Likely pathogenic (1). 2 of the submissions do not count toward it. Last evaluated 2024-07-05.

Conditions:
Neuromuscular disease. Also called: Neuromuscular disorder; Neuromyopathy. Identifiers: Orphanet 68381, MedGen C0027868, MeSH D009468, MONDO:0019056.
Skeletal dysplasia. Also called: Primary bone dysplasia. Identifiers: Orphanet 364526, MedGen C0410528, MONDO:0018230, HP:0002652.
Metatropic dysplasia (MTD). Also called: METATROPIC DWARFISM; Metatropic Dysplasia, TRPV4-Related; Metatropic dysplasia, nonlethal dominant. Identifiers: Orphanet 2635, MedGen C0265281, MONDO:0007986, OMIM 156530.
Charcot-Marie-Tooth disease axonal type 2C (HMSN2C). Also called: Charcot-Marie-Tooth Disease Type 2, TRPV4-Related (CMT2C); CHARCOT-MARIE-TOOTH DISEASE, AXONAL, AUTOSOMAL DOMINANT, TYPE 2C; Charcot-Marie-Tooth Neuropathy Type 2C. Identifiers: Orphanet 99937, MedGen C1853710, MONDO:0011633, OMIM 606071.

Submissions (3):

Labcorp Genetics (formerly Invitae), Labcorp
Classification: Likely pathogenic for Charcot-Marie-Tooth disease axonal type 2C. Last evaluated: 2024-07-05. Review status: criteria provided, single submitter. Criteria: Invitae Variant Classification Sherloc (09022015). Collection method: clinical testing. Allele origin: germline.
Comment: This sequence change replaces proline, which is neutral and non-polar, with arginine, which is basic and polar, at codon 799 of the TRPV4 protein (p.Pro799Arg). This variant is not present in population databases (gnomAD no frequency). This missense change has been observed in individuals with TRPV4-related conditions (PMID: 20577006, 22419508; Invitae). ClinVar contains an entry for this variant (Variation ID: 18432). Advanced modeling of protein sequence and biophysical properties (such as structural, functional, and spatial information, amino acid conservation, physicochemical variation, residue mobility, and thermodynamic stability) has been performed at Invitae for this missense variant, however the output from this modeling did not meet the statistical confidence thresholds required to predict the impact of this variant on TRPV4 protein function. This variant disrupts the p.Pro799 amino acid residue in TRPV4. Other variant(s) that disrupt this residue have been determined to be pathogenic (PMID: 19232556, 20425821, 20503319, 20577006, 21658220). This suggests that this residue is clinically significant, and that variants that disrupt this residue are likely to be disease-causing. In summary, the currently available evidence indicates that the variant is pathogenic, but additional data are needed to prove that conclusively. Therefore, this variant has been classified as Likely Pathogenic.

OMIM
Classification: Pathogenic for METATROPIC DYSPLASIA. Last evaluated: 2010-10-01. Review status: no assertion criteria provided. Collection method: literature only. Allele origin: germline. Not counted in ClinVar's aggregate classification.

GeneReviews
No classification provided. Condition: Neuromuscular disease; Skeletal dysplasia. Review status: no classification provided. Collection method: literature only. Allele origin: germline. Affected: yes. Not counted in ClinVar's aggregate classification.

Literature cited by the submitters: PubMed 20577006 (cited by Labcorp Genetics (formerly Invitae), Labcorp and OMIM); PubMed 22419508 (cited by Labcorp Genetics (formerly Invitae), Labcorp); PubMed 19232556 (cited by Labcorp Genetics (formerly Invitae), Labcorp); PubMed 20425821 (cited by Labcorp Genetics (formerly Invitae), Labcorp); PubMed 20503319 (cited by Labcorp Genetics (formerly Invitae), Labcorp); PubMed 21658220 (cited by Labcorp Genetics (formerly Invitae), Labcorp); NCBI Bookshelf NBK201366 (cited by GeneReviews).

NM_021625.5(TRPV4):c.2396C>G (p.Pro799Arg)

Gene: TRPV4 (transient receptor potential cation channel subfamily V member 4; minus strand). Cytogenetic location: 12q24.11.
Variant type: single nucleotide variant.
Coding change: c.2396C>G on transcript NM_021625.5 (MANE Select); coding-DNA position 2396, C replaced by G.
Protein change: p.Pro799Arg; replaces proline 799 with arginine.
Molecular consequence: missense variant.
Genome position (GRCh38, 1-based): chr12:109,784,378, G>C on the plus strand (C>G on the coding strand, the complement: TRPV4 is on the minus strand). VCF-style: chr12-109784378-G-C. GRCh37 (hg19) VCF-style: chr12-110222183-G-C.
Other names: P799R; c.2255C>G, p.Pro752Arg (NM_001177428.2); c.2294C>G, p.Pro765Arg (NM_001177431.2); c.2075C>G, p.Pro692Arg (NM_001177433.2); c.2216C>G, p.Pro739Arg (NM_147204.3); short protein forms P752R, P692R, P739R, P765R.
Identifiers: ClinVar variation 18432 (VCV000018432.7), dbSNP rs121912637, ClinGen allele CA117191.
Genomic context (GRCh38, chr12:109,784,378, plus strand): 5'-CTGCGGAGGCGGCCCACGGTATGCGAGAAGCCATAATACTGGTAGGTCTCATTCTTGCCC[G>C]GGTCCTCGTTGATGATGCCCAAGTTCTGGTTCCAGTGAGACCAGTTCACCTCATCCACCC-3'
Protein context (NP_067638.3, residues 789-809): NQNLGIINED[Pro799Arg]GKNETYQYYG